The following is an entry in ClinVar:

NM_000081.4(LYST):c.586C>T (p.Pro196Ser)

Gene: LYST (lysosomal trafficking regulator; minus strand). Cytogenetic location: 1q42.3.
Variant type: single nucleotide variant.
Coding change: c.586C>T on transcript NM_000081.4 (MANE Select); coding-DNA position 586, C replaced by T.
Protein change: p.Pro196Ser; replaces proline 196 with serine.
Molecular consequence: missense variant.
Genome position (GRCh38, 1-based): chr1:235,810,232, G>A on the plus strand (C>T on the coding strand, the complement: LYST is on the minus strand). VCF-style: chr1-235810232-G-A. GRCh37 (hg19) VCF-style: chr1-235973532-G-A.
Other names: c.586C>T, p.Pro196Ser (NM_001301365.1); short protein forms P196S.
Identifiers: ClinVar variation 2132814 (VCV002132814.4), dbSNP rs765410057, ClinGen allele CA39618136.

ClinVar aggregate classification (germline): Uncertain significance (1 of 4 stars; one submission).

Conditions:
Chédiak-Higashi syndrome (CHS). Also called: Chediak-Higashi Syndrome. Identifiers: Orphanet 167, MedGen C0007965, MONDO:0008963, OMIM 214500.

Allele frequency attached by ClinVar (database versions not stated): TOPMed 0.00002.

Submission:

Labcorp Genetics (formerly Invitae), Labcorp
Classification: Uncertain significance for Chédiak-Higashi syndrome. Last evaluated: 2022-05-03. Review status: criteria provided, single submitter. Criteria: Invitae Variant Classification Sherloc (09022015). Collection method: clinical testing. Allele origin: germline.
Comment: In summary, the available evidence is currently insufficient to determine the role of this variant in disease. Therefore, it has been classified as a Variant of Uncertain Significance. Algorithms developed to predict the effect of missense changes on protein structure and function output the following: SIFT: "Tolerated"; PolyPhen-2: "Benign"; Align-GVGD: "Class C0". The serine amino acid residue is found in multiple mammalian species, which suggests that this missense change does not adversely affect protein function. This variant has not been reported in the literature in individuals affected with LYST-related conditions. This variant is present in population databases (no rsID available, gnomAD 0.007%). This sequence change replaces proline, which is neutral and non-polar, with serine, which is neutral and polar, at codon 196 of the LYST protein (p.Pro196Ser).